The following is an entry in ClinVar:

NM_000264.5(PTCH1):c.3886G>A (p.Gly1296Arg)

Gene: PTCH1 (patched 1; minus strand). Cytogenetic location: 9q22.32.
Variant type: single nucleotide variant.
Coding change: c.3886G>A on transcript NM_000264.5 (MANE Select); coding-DNA position 3886, G replaced by A.
Protein change: p.Gly1296Arg; replaces glycine 1296 with arginine.
Molecular consequence: missense variant. On other transcripts: non-coding transcript variant (1).
Genome position (GRCh38, 1-based): chr9:95,447,370, C>T on the plus strand (G>A on the coding strand, the complement: PTCH1 is on the minus strand). VCF-style: chr9-95447370-C-T. GRCh37 (hg19) VCF-style: chr9-98209652-C-T.
Other names: c.3688G>A, p.Gly1230Arg (NM_001083602.3); c.3883G>A, p.Gly1295Arg (NM_001083603.3); c.3433G>A, p.Gly1145Arg (NM_001083604.3, NM_001083605.3, NM_001083606.3 and 1 more transcripts); c.3730G>A, p.Gly1244Arg (NM_001354918.2); c.3886G>A (NM_000264.4); short protein forms G1145R, G1230R, G1296R, G1244R, G1295R.
Identifiers: ClinVar variation 824336 (VCV000824336.16), dbSNP rs372828014, ClinGen allele CA5138016.

ClinVar aggregate classification (germline): Conflicting classifications of pathogenicity. Review status: criteria provided, conflicting classifications (1 of 4 stars). 4 submissions from 4 submitters: Uncertain significance (2); Benign (2). Last evaluated 2026-01-05.

Conditions:
Hereditary cancer-predisposing syndrome. Also called: Neoplastic Syndromes, Hereditary; Hereditary Cancer Syndrome; Hereditary neoplastic syndrome; Tumor predisposition. Identifiers: Orphanet 140162, MedGen C0027672, MeSH D009386, MONDO:0015356.
Gorlin syndrome. Also called: Nevoid Basal Cell Carcinoma Syndrome; Basal cell nevus syndrome. Identifiers: Orphanet 377, MedGen C0004779, MONDO:0007187.
PTCH1-related disorder. Also called: PTCH1-related disorders; PTCH1-related condition.

Allele frequency attached by ClinVar (database versions not stated): gnomAD 0.00001; ExAC 0.00002; gnomAD exomes 0.00002; TOPMed 0.00003.
gnomAD v4.1: 37 of 1,613,008 alleles (0.0023%); highest among the groups gnomAD compares: African/African-American, 0.004%; no homozygotes.

Submissions (4):

Labcorp Genetics (formerly Invitae), Labcorp
Classification: Benign for Gorlin syndrome. Last evaluated: 2026-01-05. Review status: criteria provided, single submitter. Criteria: Invitae Variant Classification Sherloc (09022015). Collection method: clinical testing. Allele origin: germline.

Ambry Genetics
Classification: Benign for Hereditary cancer-predisposing syndrome. Last evaluated: 2024-10-07. Review status: criteria provided, single submitter. Criteria: Ambry Variant Classification Scheme 2023. Collection method: clinical testing. Allele origin: germline.

PreventionGenetics, part of Exact Sciences
Classification: Uncertain significance for PTCH1-related condition. Last evaluated: 2023-06-14. Review status: criteria provided, single submitter. Criteria: ACMG Guidelines, 2015. Collection method: clinical testing. Allele origin: germline.
Comment: The PTCH1 c.3886G>A variant is predicted to result in the amino acid substitution p.Gly1296Arg. To our knowledge, this variant has not been reported in the literature. This variant is reported in 0.0058% of alleles in individuals of Latino descent in gnomAD. The gnomAD population frequency data and those in the PreventionGenetics database suggest this variant may be too common to be a primary cause of disease. Although we suspect that this variant may be benign, at this time, the clinical significance is uncertain due to the absence of conclusive functional and genetic evidence.

Quest Diagnostics Nichols Institute San Juan Capistrano
Classification: Uncertain significance. Last evaluated: 2022-09-16. Review status: criteria provided, single submitter. Criteria: Quest Diagnostics criteria. Collection method: clinical testing. Allele origin: unknown.
Comment: The frequency of this variant in the general population, 0.000016 (4/247422 chromosomes), is uninformative in assessment of its pathogenicity. In the published literature, the variant has been reported in an individual with markel cell carcinoma (PMID: 33807452 (2021)). Analysis of this variant using bioinformatics tools for the prediction of the effect of amino acid changes on protein structure and function yielded predictions that this variant is benign. Additional analysis using software algorithms for the prediction of the effect of nucleotide changes on PTCH1 mRNA splicing yielded predictions that this variant may result in the gain of a cryptic splice site without affecting the natural splice sites . Based on the available information, we are unable to determine the clinical significance of this variant.

Literature cited by the submitters: PubMed 33807452 (cited by Quest Diagnostics Nichols Institute San Juan Capistrano).